The following is an entry in ClinVar:

NM_080916.3(DGUOK):c.505_508del (p.Tyr169fs)

Gene: DGUOK (deoxyguanosine kinase; plus strand). Cytogenetic location: 2p13.1.
Variant type: Microsatellite.
Coding change: c.505_508del on transcript NM_080916.3 (MANE Select); coding-DNA positions 505 to 508, 4 bases deleted (TATC; older notation c.505_508delTATC).
Protein change: p.Tyr169fs; shifts the reading frame from tyrosine 169.
Molecular consequence: frameshift variant. On other transcripts: non-coding transcript variant (2), intron variant (2).
Genome position (GRCh38, 1-based): chr2:73,950,646-73,950,649, TATC deleted; deleting any 4 consecutive bases within chr2:73,950,642-73,950,649 gives the same sequence; the c. name uses the placement nearest the transcript's 3' end. VCF-style (leftmost placement, unchanged base first): chr2-73950641-ATATC-A. GRCh37 (hg19) VCF-style: chr2-74177768-ATATC-A.
Other names: c.214_217del, p.Tyr72fs (NM_001318860.2, NM_001318861.2); c.196_199del, p.Tyr66fs (NM_001318862.2, NM_001318863.2); c.443+3740_443+3743del (NM_080918.3); c.425+3758_425+3761del (NM_001318859.2); short protein forms Y169fs, Y66fs, Y72fs.
Identifiers: ClinVar variation 3381837 (VCV003381837.2).
Genomic context (GRCh38, chr2:73,950,641, plus strand): 5'-CCAGGTATATCTTTGCAAAGAATCTTTTTGAAAATGGTTCCCTCAGTGACATCGAGTGGC[ATATC>A]TATCAGGACTGGCATTCTTTTCTCCTGTGGGAGTTTGCCAGCCGGATCACATTACATGGC-3'

ClinVar aggregate classification (germline): Pathogenic (1 of 4 stars; one submission).

Conditions:
Mitochondrial DNA depletion syndrome 3 (hepatocerebral type). Also called: Deoxyguanosine Kinase Deficiency; Mitochondrial DNA depletion syndrome, hepatocerebral form due to DGUOK deficiency; MITOCHONDRIAL DNA DEPLETION SYNDROME 3. Identifiers: Orphanet 279934, MedGen CN074093, MONDO:0009636, OMIM 251880.

Submission:

Juno Genomics, Hangzhou Juno Genomics, Inc
Classification: Pathogenic for Mitochondrial DNA depletion syndrome 3 (hepatocerebral type). Review status: criteria provided, single submitter. Criteria: ACMG Guidelines, 2015. Collection method: clinical testing. Allele origin: germline. Affected: yes.
Comment: Absent from controls (or at extremely low frequency if recessive) in Genome Aggregation Database, Exome Sequencing Project, 1000 Genomes Project, or Exome Aggregation Consortium.;Null variant in a gene where loss of function (LOF) is a known mechanism of disease.;For recessive disorders, detected in trans with a pathogenic variant.;Patient's phenotype or family history is highly specific for a disease with a single genetic etiology.